The following is an entry in ClinVar:

ClinVar aggregate classification (germline): Uncertain significance (1 of 4 stars; one submission).

Conditions:
SLC37A4-related disorder. Also called: SLC37A4-related condition.

Submission:

PreventionGenetics, part of Exact Sciences
Classification: Uncertain significance for SLC37A4-related condition. Last evaluated: 2026-05-15. Review status: criteria provided, single submitter. Criteria: ACMG Guidelines, 2015. Collection method: clinical testing. Allele origin: germline.
Comment: The SLC37A4 c.428C>T variant is predicted to result in the amino acid substitution p.Thr143Ile. To our knowledge, this variant has not been reported in the literature or in a large population database (gnomAD), indicating this variant is rare. At this time, the clinical significance of this variant is uncertain due to the absence of conclusive functional and genetic evidence.

NM_001164277.2(SLC37A4):c.428C>T (p.Thr143Ile)

Gene: SLC37A4 (solute carrier family 37 member 4; minus strand). Cytogenetic location: 11q23.3.
Variant type: single nucleotide variant.
Coding change: c.428C>T on transcript NM_001164277.2 (MANE Select); coding-DNA position 428, C replaced by T.
Protein change: p.Thr143Ile; replaces threonine 143 with isoleucine.
Molecular consequence: missense variant.
Genome position (GRCh38, 1-based): chr11:119,027,826, G>A on the plus strand (C>T on the coding strand, the complement: SLC37A4 is on the minus strand). VCF-style: chr11-119027826-G-A. GRCh37 (hg19) VCF-style: chr11-118898536-G-A.
Other names: c.428C>T, p.Thr143Ile (NM_001164278.2, NM_001164280.2, NM_001467.6); c.209C>T, p.Thr70Ile (NM_001164279.2); short protein forms T143I, T70I.
Identifiers: ClinVar variation 4996399 (VCV004996399.1).
Genomic context (GRCh38, chr11:119,027,826, plus strand): 5'-TAGCTCTGGGCAAGGATGGTTGCCAGGATAGGGCCCAGCCCTCCAGCCAGGTTCATGCTG[G>A]TTGACAGGATGGCCCACCAAGTGCCAAACTGAGATGGCTCAAACCACTGTGGGGCAGAGG-3'
Protein context (NP_001157749.1, residues 133-153): QFGTWWAILS[Thr143Ile]SMNLAGGLGP